The following is an entry in ClinVar:

ClinVar aggregate classification (germline): Conflicting classifications of pathogenicity. Review status: criteria provided, conflicting classifications (1 of 4 stars). 2 submissions from 2 submitters: Uncertain significance (1); Likely benign (1). Last evaluated 2024-12-26.

Conditions:
RP1L1-related disorder. Also called: RP1L1-related condition.
Inborn genetic diseases. Identifiers: MedGen C0950123, MeSH D030342.

gnomAD v4.1: 23 of 1,613,692 alleles (0.0014%); highest among the groups gnomAD compares: African/African-American, 0.027%; no homozygotes.

Submissions (2):

PreventionGenetics, part of Exact Sciences
Classification: Uncertain significance for RP1L1-related condition. Last evaluated: 2024-12-26. Review status: criteria provided, single submitter. Criteria: ACMG Guidelines, 2015. Collection method: clinical testing. Allele origin: germline.
Comment: The RP1L1 c.2279C>T variant is predicted to result in the amino acid substitution p.Ala760Val. To our knowledge, this variant has not been reported in the literature. This variant is reported in 0.041% of alleles in individuals of African descent in gnomAD. At this time, the clinical significance of this variant is uncertain due to the absence of conclusive functional and genetic evidence.

Ambry Genetics
Classification: Likely benign for Inborn genetic diseases. Last evaluated: 2024-05-07. Review status: criteria provided, single submitter. Criteria: Ambry Variant Classification Scheme 2023. Collection method: clinical testing. Allele origin: germline.

NM_178857.6(RP1L1):c.2279C>T (p.Ala760Val)

Gene: RP1L1 (RP1 like 1). Cytogenetic location: 8p23.1.
Variant type: single nucleotide variant.
Coding change: c.2279C>T on transcript NM_178857.6 (MANE Select); coding-DNA position 2279, C replaced by T.
Protein change: p.Ala760Val; replaces alanine 760 with valine.
Molecular consequence: missense variant.
Genome position (GRCh38, 1-based): chr8:10,611,819, G>A on the plus strand (C>T on the coding strand, the complement: RP1L1 is on the minus strand). VCF-style: chr8-10611819-G-A. GRCh37 (hg19) VCF-style: chr8-10469329-G-A.
Other names: short protein forms A760V.
Identifiers: ClinVar variation 3315077 (VCV003315077.2).